The following is an entry in ClinVar:

NM_012210.4(TRIM32):c.706G>A (p.Val236Met)

Genes: ASTN2 (astrotactin 2; minus strand), TRIM32 (tripartite motif containing 32; plus strand). Cytogenetic location: 9q33.1.
Variant type: single nucleotide variant.
Coding change: c.706G>A on transcript NM_012210.4 (MANE Select); coding-DNA position 706, G replaced by A.
Protein change: p.Val236Met; replaces valine 236 with methionine.
Molecular consequence: missense variant. On other transcripts: intron variant (3).
Genome position (GRCh38, 1-based): chr9:116,698,448, G>A. VCF-style: chr9-116698448-G-A. GRCh37 (hg19) VCF-style: chr9-119460727-G-A.
Other names: c.706G>A, p.Val236Met (NM_001099679.2, NM_001379048.1, NM_001379049.1 and 1 more transcripts); c.2653+27323C>T (NM_014010.5); c.2794+27323C>T (NM_001365069.1); c.2806+27323C>T (NM_001365068.1); short protein forms V236M.
Identifiers: ClinVar variation 2161854 (VCV002161854.4), dbSNP rs1465759338, ClinGen allele CA374649513.

ClinVar aggregate classification (germline): Uncertain significance (1 of 4 stars; one submission).

Conditions:
Bardet-Biedl syndrome (BBS). Identifiers: Orphanet 110, MedGen C0752166, MONDO:0015229.

gnomAD v4.1: 1 of 1,614,106 alleles (0.000062%); highest among the groups gnomAD compares: Non-Finnish European, 0.000085%; no homozygotes.

Submission:

Labcorp Genetics (formerly Invitae), Labcorp
Classification: Uncertain significance for Bardet-Biedl syndrome. Last evaluated: 2022-03-19. Review status: criteria provided, single submitter. Criteria: Invitae Variant Classification Sherloc (09022015). Collection method: clinical testing. Allele origin: germline.
Comment: In summary, the available evidence is currently insufficient to determine the role of this variant in disease. Therefore, it has been classified as a Variant of Uncertain Significance. Algorithms developed to predict the effect of missense changes on protein structure and function are either unavailable or do not agree on the potential impact of this missense change (SIFT: "Deleterious"; PolyPhen-2: "Benign"; Align-GVGD: "Class C0"). This variant has not been reported in the literature in individuals affected with TRIM32-related conditions. This variant is not present in population databases (gnomAD no frequency). This sequence change replaces valine, which is neutral and non-polar, with methionine, which is neutral and non-polar, at codon 236 of the TRIM32 protein (p.Val236Met).